The following is an entry in ClinVar:

ClinVar aggregate classification (germline): Uncertain significance. Review status: criteria provided, multiple submitters, no conflicts (2 of 4 stars). 6 submissions from 6 submitters: Uncertain significance (6). Last evaluated 2025-11-05.

Conditions:
Familial adenomatous polyposis 1 (FAP1). Also called: POLYPOSIS, ADENOMATOUS INTESTINAL; FAMILIAL ADENOMATOUS POLYPOSIS 1, ATTENUATED. Identifiers: MedGen C2713442, MONDO:0021056, OMIM 175100. Disease mechanism: loss of function.
Classic or attenuated familial adenomatous polyposis. Identifiers: MedGen CN372698, MONDO:0021057.
Hereditary cancer-predisposing syndrome. Also called: Hereditary neoplastic syndrome; Neoplastic Syndromes, Hereditary; Tumor predisposition; Hereditary Cancer Syndrome. Identifiers: Orphanet 140162, MedGen C0027672, MeSH D009386, MONDO:0015356.

gnomAD v4.1: 9 of 1,613,704 alleles (0.00056%); highest among the groups gnomAD compares: Non-Finnish European, 0.00059%; no homozygotes.

Submissions (6):

Labcorp Genetics (formerly Invitae), Labcorp
Classification: Uncertain significance for Familial adenomatous polyposis 1. Last evaluated: 2025-11-05. Review status: criteria provided, single submitter. Criteria: Invitae Variant Classification Sherloc (09022015). Collection method: clinical testing. Allele origin: germline.
Comment: This sequence change replaces alanine, which is neutral and non-polar, with proline, which is neutral and non-polar, at codon 1879 of the APC protein (p.Ala1879Pro). This variant is present in population databases (rs587779799, gnomAD 0.0009%). This variant has not been reported in the literature in individuals affected with APC-related conditions. ClinVar contains an entry for this variant (Variation ID: 470015). Invitae Evidence Modeling of protein sequence and biophysical properties (such as structural, functional, and spatial information, amino acid conservation, physicochemical variation, residue mobility, and thermodynamic stability) indicates that this missense variant is not expected to disrupt APC protein function with a negative predictive value of 95%. In summary, the available evidence is currently insufficient to determine the role of this variant in disease. Therefore, it has been classified as a Variant of Uncertain Significance.

Color Diagnostics, LLC DBA Color Health
Classification: Uncertain significance for Hereditary cancer-predisposing syndrome. Last evaluated: 2024-09-30. Review status: criteria provided, single submitter. Criteria: ACMG Guidelines, 2015. Collection method: clinical testing. Allele origin: germline.
Comment: This missense variant replaces alanine with proline at codon 1879 of the APC protein. Computational prediction suggests that this variant may not impact protein structure and function (internally defined REVEL score threshold <= 0.5, PMID: 27666373). To our knowledge, functional studies have not been reported for this variant. This variant has not been reported in individuals affected with APC-related disorders in the literature. This variant has been identified in 1/250890 chromosomes in the general population by the Genome Aggregation Database (gnomAD). The available evidence is insufficient to determine the role of this variant in disease conclusively. Therefore, this variant is classified as a Variant of Uncertain Significance.

GeneDx
Classification: Uncertain significance. Last evaluated: 2024-03-18. Review status: criteria provided, single submitter. Criteria: GeneDx Variant Classification Process June 2021. Collection method: clinical testing. Allele origin: germline. Affected: yes.
Comment: Not observed at significant frequency in large population cohorts (gnomAD); In silico analysis supports that this missense variant does not alter protein structure/function; Observed in an individual with acute lymphoblastic leukemia (PMID: 26580448); This variant is associated with the following publications: (PMID: 18199528, 26580448)

Ambry Genetics
Classification: Uncertain significance for Hereditary cancer-predisposing syndrome. Last evaluated: 2024-03-14. Review status: criteria provided, single submitter. Criteria: Ambry Variant Classification Scheme 2023. Collection method: clinical testing. Allele origin: germline.
Comment: The p.A1879P variant (also known as c.5635G>C), located in coding exon 15 of the APC gene, results from a G to C substitution at nucleotide position 5635. The alanine at codon 1879 is replaced by proline, an amino acid with highly similar properties. This variant has been reported in 1/1120 pediatric cancer patients who underwent whole genome sequencing and/or whole exome sequencing; this patient was diagnosed with BCR-ABL1 ALL (Zhang J et al. N Engl J Med, 2015 Dec;373:2336-2346). This amino acid position is well conserved in available vertebrate species. In addition, in silico predictors for this gene do not accurately predict pathogenicity. Since supporting evidence is limited at this time, the clinical significance of this alteration remains unclear.

Quest Diagnostics Nichols Institute San Juan Capistrano
Classification: Uncertain significance. Last evaluated: 2024-02-02. Review status: criteria provided, single submitter. Criteria: Quest Diagnostics criteria. Collection method: clinical testing. Allele origin: unknown.
Comment: The APC c.5635G>C (p.Ala1879Pro) variant has been reported in the published literature in an individual with BCR-ABL1 acute lymphoblastic leukemia (PMID: 26580448 (2015)). The frequency of this variant in the general population, 0.000004 (1/250890 chromosomes (Genome Aggregation Database)), is uninformative in the assessment of its pathogenicity. Analysis of this variant using bioinformatics tools for the prediction of the effect of amino acid changes on protein structure and function yielded conflicting predictions that this variant is benign or damaging. Based on the available information, we are unable to determine the clinical significance of this variant.

All of Us Research Program, National Institutes of Health
Classification: Uncertain significance for Classic or attenuated familial adenomatous polyposis. Last evaluated: 2023-12-13. Review status: criteria provided, single submitter. Criteria: ACMG Guidelines, 2015. Collection method: clinical testing. Allele origin: germline. Inheritance: Autosomal dominant inheritance. Observed: 3 variant alleles, 3 heterozygotes.
Comment: This missense variant replaces alanine with proline at codon 1879 of the APC protein. Computational prediction suggests that this variant may not impact protein structure and function (internally defined REVEL score threshold <= 0.5, PMID: 27666373). To our knowledge, functional studies have not been reported for this variant. This variant has not been reported in individuals affected with APC-related disorders in the literature. This variant has been identified in 1/250890 chromosomes in the general population by the Genome Aggregation Database (gnomAD). The available evidence is insufficient to determine the role of this variant in disease conclusively. Therefore, this variant is classified as a Variant of Uncertain Significance.

This study involves interpretation of variants in research participants for the purpose of population health screening. Participant phenotype was not available at the time of variant classification. Additional details can be found in publication PMID: 35346344, PMCID: PMC8962531

Literature cited by the submitters: PubMed 26580448 (cited by Ambry Genetics and Quest Diagnostics Nichols Institute San Juan Capistrano).

NM_000038.6(APC):c.5635G>C (p.Ala1879Pro)

Gene: APC (APC regulator of Wnt signaling pathway; plus strand). Cytogenetic location: 5q22.2.
Variant type: single nucleotide variant.
Coding change: c.5635G>C on transcript NM_000038.6 (MANE Select); coding-DNA position 5635, G replaced by C.
Protein change: p.Ala1879Pro; replaces alanine 1879 with proline.
Molecular consequence: missense variant.
Genome position (GRCh38, 1-based): chr5:112,841,229, G>C. VCF-style: chr5-112841229-G-C. GRCh37 (hg19) VCF-style: chr5-112176926-G-C.
Other names: c.5635G>C, p.Ala1879Pro (NM_001127510.3, NM_001354895.2); c.5581G>C, p.Ala1861Pro (NM_001127511.3); c.5689G>C, p.Ala1897Pro (NM_001354896.2); c.5665G>C, p.Ala1889Pro (NM_001354897.2); c.5560G>C, p.Ala1854Pro (NM_001354898.2); c.5551G>C, p.Ala1851Pro (NM_001354899.2); c.5512G>C, p.Ala1838Pro (NM_001354900.2); c.5458G>C, p.Ala1820Pro (NM_001354901.2); and 5 more; short protein forms A1879P, A1861P, A1753P, A1854P, A1889P, A1897P, A1596P, A1788P.
Identifiers: ClinVar variation 470015 (VCV000470015.20), dbSNP rs587779799, ClinGen allele CA042467.